The following is an entry in ClinVar:

ClinVar aggregate classification (germline): Uncertain significance (1 of 4 stars; one submission).

Conditions:
Tuberous sclerosis 1 (TSC1). Identifiers: Orphanet 805, MedGen C1854465, MONDO:0008612, OMIM 191100.

Submission:

Labcorp Genetics (formerly Invitae), Labcorp
Classification: Uncertain significance for Tuberous sclerosis 1. Last evaluated: 2018-05-05. Review status: criteria provided, single submitter. Criteria: Invitae Variant Classification Sherloc (09022015). Collection method: clinical testing. Allele origin: germline.
Comment: This sequence change replaces methionine with lysine at codon 224 of the TSC1 protein (p.Met224Lys). The methionine residue is moderately conserved and there is a moderate physicochemical difference between methionine and lysine. This variant is not present in population databases (ExAC no frequency). In summary, the available evidence is currently insufficient to determine the role of this variant in disease. Therefore, it has been classified as a Variant of Uncertain Significance. Algorithms developed to predict the effect of missense changes on protein structure and function do not agree on the potential impact of this missense change (SIFT: "Deleterious"; PolyPhen-2: "Probably Damaging"; Align-GVGD: "Class C0"). This variant has not been reported in the literature in individuals with TSC1-related disease.

NM_000368.5(TSC1):c.671T>A (p.Met224Lys)

Gene: TSC1 (TSC complex subunit 1; minus strand). Cytogenetic location: 9q34.13.
Variant type: single nucleotide variant.
Coding change: c.671T>A on transcript NM_000368.5 (MANE Select); coding-DNA position 671, T replaced by A.
Protein change: p.Met224Lys; replaces methionine 224 with lysine.
Molecular consequence: missense variant.
Genome position (GRCh38, 1-based): chr9:132,921,429, A>T on the plus strand (T>A on the coding strand, the complement: TSC1 is on the minus strand). VCF-style: chr9-132921429-A-T. GRCh37 (hg19) VCF-style: chr9-135796816-A-T.
Other names: c.671T>A, p.Met224Lys (NM_001162426.2); c.518T>A, p.Met173Lys (NM_001162427.2); c.308T>A, p.Met103Lys (NM_001362177.2); short protein forms M224K, M103K, M173K.
Identifiers: ClinVar variation 579793 (VCV000579793.8), dbSNP rs118203426, ClinGen allele CA375371510.